The following is an entry in ClinVar:

ClinVar aggregate classification (germline): Conflicting classifications of pathogenicity. Review status: criteria provided, conflicting classifications (1 of 4 stars). 2 submissions from 2 submitters: Uncertain significance (1); Likely benign (1). Last evaluated 2025-09-03.

Conditions:
Inborn genetic diseases. Identifiers: MedGen C0950123, MeSH D030342.

Allele frequency attached by ClinVar (database versions not stated): ExAC 0.00002; gnomAD exomes 0.00002.

Submissions (2):

Ambry Genetics
Classification: Likely benign for Inborn genetic diseases. Last evaluated: 2025-09-03. Review status: criteria provided, single submitter. Criteria: Ambry Variant Classification Scheme 2023. Collection method: clinical testing. Allele origin: germline.

Labcorp Genetics (formerly Invitae), Labcorp
Classification: Uncertain significance. Last evaluated: 2021-12-13. Review status: criteria provided, single submitter. Criteria: Invitae Variant Classification Sherloc (09022015). Collection method: clinical testing. Allele origin: germline.
Comment: This sequence change replaces threonine, which is neutral and polar, with methionine, which is neutral and non-polar, at codon 510 of the PPP3CA protein (p.Thr510Met). This variant is present in population databases (rs781181414, gnomAD 0.004%). This variant has not been reported in the literature in individuals affected with PPP3CA-related conditions. Algorithms developed to predict the effect of missense changes on protein structure and function are either unavailable or do not agree on the potential impact of this missense change (SIFT: "Deleterious"; PolyPhen-2: "Not Available"; Align-GVGD: "Class C0"). In summary, the available evidence is currently insufficient to determine the role of this variant in disease. Therefore, it has been classified as a Variant of Uncertain Significance.

NM_000944.5(PPP3CA):c.1529C>T (p.Thr510Met)

Gene: PPP3CA (protein phosphatase 3 catalytic subunit alpha; minus strand). Cytogenetic location: 4q24.
Variant type: single nucleotide variant.
Coding change: c.1529C>T on transcript NM_000944.5 (MANE Select); coding-DNA position 1529, C replaced by T.
Protein change: p.Thr510Met; replaces threonine 510 with methionine.
Molecular consequence: missense variant.
Genome position (GRCh38, 1-based): chr4:101,025,902, G>A on the plus strand (C>T on the coding strand, the complement: PPP3CA is on the minus strand). VCF-style: chr4-101025902-G-A. GRCh37 (hg19) VCF-style: chr4-101947059-G-A.
Other names: c.1499C>T, p.Thr500Met (NM_001130691.2); c.1373C>T, p.Thr458Met (NM_001130692.2); c.1529C>T (NM_000944.4); short protein forms T458M, T500M, T510M.
Identifiers: ClinVar variation 1445200 (VCV001445200.4), dbSNP rs781181414, ClinGen allele CA3024220.